The following is an entry in ClinVar:

ClinVar aggregate classification (germline): Conflicting classifications of pathogenicity. Review status: criteria provided, conflicting classifications (1 of 4 stars). 4 submissions from 4 submitters: Uncertain significance (3); Likely benign (1). Last evaluated 2024-07-11.

Conditions:
Early-infantile DEE. Also called: Ohtahara syndrome; Early infantile epileptic encephalopathy with suppression bursts; Early infantile epileptic encephalopathy. Identifiers: Orphanet 1934, MedGen C0393706, MONDO:0800491.
Inborn genetic diseases. Identifiers: MedGen C0950123, MeSH D030342.
Developmental and epileptic encephalopathy, 5 (DEE5). Identifiers: Orphanet 3451, MedGen C3150731, MONDO:0013277, OMIM 613477.

Allele frequency attached by ClinVar (database versions not stated): TOPMed below 0.00001; ExAC 0.00001; gnomAD exomes 0.00001 and 0.00002.
gnomAD v4.1: 31 of 1,613,950 alleles (0.0019%); highest among the groups gnomAD compares: Middle Eastern, 0.016%; 1 homozygote.

Submissions (4):

Labcorp Genetics (formerly Invitae), Labcorp
Classification: Uncertain significance for Early-infantile DEE. Last evaluated: 2024-07-11. Review status: criteria provided, single submitter. Criteria: Invitae Variant Classification Sherloc (09022015). Collection method: clinical testing. Allele origin: germline.
Comment: This sequence change replaces arginine, which is basic and polar, with cysteine, which is neutral and slightly polar, at codon 2472 of the SPTAN1 protein (p.Arg2472Cys). This variant is present in population databases (rs759975874, gnomAD 0.004%). This variant has not been reported in the literature in individuals affected with SPTAN1-related conditions. ClinVar contains an entry for this variant (Variation ID: 235617). Advanced modeling of protein sequence and biophysical properties (such as structural, functional, and spatial information, amino acid conservation, physicochemical variation, residue mobility, and thermodynamic stability) has been performed at Invitae for this missense variant, however the output from this modeling did not meet the statistical confidence thresholds required to predict the impact of this variant on SPTAN1 protein function. In summary, the available evidence is currently insufficient to determine the role of this variant in disease. Therefore, it has been classified as a Variant of Uncertain Significance.

Ambry Genetics
Classification: Uncertain significance for Inborn genetic diseases. Last evaluated: 2024-05-13. Review status: criteria provided, single submitter. Criteria: Ambry Variant Classification Scheme 2023. Collection method: clinical testing. Allele origin: germline.

Genome-Nilou Lab
Classification: Uncertain significance for Developmental and epileptic encephalopathy, 5. Last evaluated: 2021-07-15. Review status: criteria provided, single submitter. Criteria: ACMG Guidelines, 2015. Collection method: clinical testing. Allele origin: germline. Affected: no.

Center for Pediatric Genomic Medicine, Children's Mercy Hospital and Clinics
Classification: Likely benign. Last evaluated: 2014-12-05. Review status: criteria provided, single submitter. Criteria: ACMG Guidelines, 2015. Collection method: clinical testing. Allele origin: germline.
ClinVar note: Converted during submission from Likely Benign to Likely benign.

NM_001130438.3(SPTAN1):c.7414C>T (p.Arg2472Cys)

Gene: SPTAN1 (spectrin alpha, non-erythrocytic 1; plus strand). Cytogenetic location: 9q34.11.
Variant type: single nucleotide variant.
Coding change: c.7414C>T on transcript NM_001130438.3 (MANE Select); coding-DNA position 7414, C replaced by T.
Protein change: p.Arg2472Cys; replaces arginine 2472 with cysteine.
Molecular consequence: missense variant.
Genome position (GRCh38, 1-based): chr9:128,633,314, C>T. VCF-style: chr9-128633314-C-T. GRCh37 (hg19) VCF-style: chr9-131395593-C-T.
Other names: c.7339C>T, p.Arg2447Cys (NM_001195532.2); c.7477C>T, p.Arg2493Cys (NM_001363759.2); c.7354C>T, p.Arg2452Cys (NM_001363765.2); c.7399C>T, p.Arg2467Cys (NM_003127.4); short protein forms R2472C, R2493C, R2447C, R2452C, R2467C.
Identifiers: ClinVar variation 235617 (VCV000235617.16), dbSNP rs759975874, ClinGen allele CA5266105.